The following is an entry in ClinVar:

NM_001205293.3(CACNA1E):c.4736G>C (p.Arg1579Pro)

Gene: CACNA1E (calcium voltage-gated channel subunit alpha1 E; plus strand). Cytogenetic location: 1q25.3.
Variant type: single nucleotide variant.
Coding change: c.4736G>C on transcript NM_001205293.3 (MANE Select); coding-DNA position 4736, G replaced by C.
Protein change: p.Arg1579Pro; replaces arginine 1579 with proline.
Molecular consequence: missense variant.
Genome position (GRCh38, 1-based): chr1:181,763,452, G>C. VCF-style: chr1-181763452-G-C. GRCh37 (hg19) VCF-style: chr1-181732588-G-C.
Other names: c.4736G>C, p.Arg1579Pro (NM_000721.4); c.4679G>C, p.Arg1560Pro (NM_001205294.2); short protein forms R1560P, R1579P.
Identifiers: ClinVar variation 4687986 (VCV004687986.1).

ClinVar aggregate classification (germline): Likely pathogenic (1 of 4 stars; one submission).

Conditions:
Developmental and epileptic encephalopathy, 69. Also called: EPILEPTIC ENCEPHALOPATHY, EARLY INFANTILE, 69. Identifiers: MedGen C4748988, MONDO:0032657, OMIM 618285.

Submission:

Human Genetics Bochum, Ruhr University Bochum
Classification: Likely pathogenic for Developmental and epileptic encephalopathy, 69. Last evaluated: 2024-08-30. Review status: criteria provided, single submitter. Criteria: ACMG Guidelines, 2015. Collection method: clinical testing. Allele origin: germline. Affected: yes.
Comment: ACMG criteria used to clasify this variant: PP3_STR, PM2_SUP, PP2